The following is an entry in ClinVar:

NM_005529.7(HSPG2):c.9052+1G>A

Gene: HSPG2 (heparan sulfate proteoglycan 2; minus strand). Cytogenetic location: 1p36.12.
Variant type: single nucleotide variant.
Coding change: c.9052+1G>A on transcript NM_005529.7 (MANE Select); the canonical splice donor site of the intron after coding-DNA position 9052, G replaced by A.
Molecular consequence: splice donor variant.
Genome position (GRCh38, 1-based): chr1:21,842,238, C>T on the plus strand (G>A on the coding strand, the complement: HSPG2 is on the minus strand). VCF-style: chr1-21842238-C-T. GRCh37 (hg19) VCF-style: chr1-22168731-C-T.
Other names: c.9055+1G>A (NM_001291860.2).
Identifiers: ClinVar variation 3610130 (VCV003610130.2).

ClinVar aggregate classification (germline): Likely pathogenic (1 of 4 stars; one submission).

gnomAD v4.1: 3 of 1,613,548 alleles (0.00019%); highest among the groups gnomAD compares: South Asian, 0.0011%; no homozygotes.

Submission:

Labcorp Genetics (formerly Invitae), Labcorp
Classification: Likely pathogenic. Last evaluated: 2024-03-25. Review status: criteria provided, single submitter. Criteria: Invitae Variant Classification Sherloc (09022015). Collection method: clinical testing. Allele origin: germline.
Comment: This sequence change affects a donor splice site in intron 68 of the HSPG2 gene. It is expected to disrupt RNA splicing. Variants that disrupt the donor or acceptor splice site typically lead to a loss of protein function (PMID: 16199547), and loss-of-function variants in HSPG2 are known to be pathogenic (PMID: 11279527, 16927315, 20542149, 23836246). This variant is present in population databases (no rsID available, gnomAD 0.0009%). This variant has not been reported in the literature in individuals affected with HSPG2-related conditions. Algorithms developed to predict the effect of sequence changes on RNA splicing suggest that this variant may disrupt the consensus splice site. In summary, the currently available evidence indicates that the variant is pathogenic, but additional data are needed to prove that conclusively. Therefore, this variant has been classified as Likely Pathogenic.

Literature cited by the submitters: PubMed 16199547; PubMed 11279527; PubMed 16927315; PubMed 20542149; PubMed 23836246.